The following is an entry in ClinVar:

NM_030930.4(UNC93B1):c.404C>T (p.Thr135Met)

Gene: UNC93B1 (unc-93B1 regulator of TLR signaling; minus strand). Cytogenetic location: 11q13.2.
Variant type: single nucleotide variant.
Coding change: c.404C>T on transcript NM_030930.4 (MANE Select); coding-DNA position 404, C replaced by T.
Protein change: p.Thr135Met; replaces threonine 135 with methionine.
Molecular consequence: missense variant.
Genome position (GRCh38, 1-based): chr11:67,999,669, G>A on the plus strand (C>T on the coding strand, the complement: UNC93B1 is on the minus strand). VCF-style: chr11-67999669-G-A. GRCh37 (hg19) VCF-style: chr11-67767139-G-A.
Other names: c.404C>T (NM_030930.2); short protein forms T135M.
Identifiers: ClinVar variation 1402621 (VCV001402621.6), dbSNP rs769871051, ClinGen allele CA6145663.
Genomic context (GRCh38, chr11:67,999,669, plus strand): 5'-CAGTAGTTGGTGGAGACAAAGAGGGCGTAGATGCCCACAGCGAGGAACATCATCCACTTC[G>A]TTCCAAAAAACCTGCGGACAGTGGGAGAGATGCTGGCACCACAGGCCTGCTGGACCACTG-3'
Protein context (NP_112192.2, residues 125-145): YTPVLIRFFG[Thr135Met]KWMMFLAVGI

ClinVar aggregate classification (germline): Uncertain significance. Review status: criteria provided, multiple submitters, no conflicts (2 of 4 stars). 2 submissions from 2 submitters: Uncertain significance (2). Last evaluated 2025-03-25.

Conditions:
Encephalopathy, acute, infection-induced (herpes-specific), susceptibility to, 1. Also called: Herpes simplex encephalitis, susceptibility to, 1. Identifiers: Orphanet 1930, MedGen C2750180, MONDO:0024563, OMIM 610551.

Allele frequency attached by ClinVar (database versions not stated): gnomAD exomes 0.00001; gnomAD 0.00002 and 0.00003; ExAC 0.00001; TOPMed 0.00002.
gnomAD v4.1: 12 of 1,611,240 alleles (0.00074%); highest among the groups gnomAD compares: East Asian, 0.0045%; no homozygotes.

Submissions (2):

Ambry Genetics
Classification: Uncertain significance. Last evaluated: 2025-03-25. Review status: criteria provided, single submitter. Criteria: Ambry Variant Classification Scheme 2023. Collection method: clinical testing. Allele origin: germline.

Labcorp Genetics (formerly Invitae), Labcorp
Classification: Uncertain significance for Encephalopathy, acute, infection-induced (herpes-specific), susceptibility to, 1. Last evaluated: 2023-01-11. Review status: criteria provided, single submitter. Criteria: Invitae Variant Classification Sherloc (09022015). Collection method: clinical testing. Allele origin: germline.
Comment: This sequence change replaces threonine, which is neutral and polar, with methionine, which is neutral and non-polar, at codon 135 of the UNC93B1 protein (p.Thr135Met). This variant is present in population databases (rs769871051, gnomAD 0.007%). This variant has not been reported in the literature in individuals affected with UNC93B1-related conditions. ClinVar contains an entry for this variant (Variation ID: 1402621). Experimental studies and prediction algorithms are not available or were not evaluated, and the functional significance of this variant is currently unknown. In summary, the available evidence is currently insufficient to determine the role of this variant in disease. Therefore, it has been classified as a Variant of Uncertain Significance.